The following is an entry in ClinVar:

NM_014236.4(GNPAT):c.140A>C (p.Asp47Ala)

Gene: GNPAT (glyceronephosphate O-acyltransferase; plus strand). Cytogenetic location: 1q42.2.
Variant type: single nucleotide variant.
Coding change: c.140A>C on transcript NM_014236.4 (MANE Select); coding-DNA position 140, A replaced by C.
Protein change: p.Asp47Ala; replaces aspartic acid 47 with alanine.
Molecular consequence: missense variant. On other transcripts: intron variant (1).
Genome position (GRCh38, 1-based): chr1:231,251,022, A>C. VCF-style: chr1-231251022-A-C. GRCh37 (hg19) VCF-style: chr1-231386768-A-C.
Other names: c.79-9485A>C (NM_001316350.2); short protein forms D47A.
Identifiers: ClinVar variation 1304770 (VCV001304770.3), dbSNP rs749086052, ClinGen allele CA1451738.

ClinVar aggregate classification (germline): Uncertain significance. Review status: criteria provided, multiple submitters, no conflicts (2 of 4 stars). 2 submissions from 2 submitters: Uncertain significance (2). Last evaluated 2019-08-29.

Allele frequency attached by ClinVar (database versions not stated): gnomAD exomes 0.00002 and 0.00001; TOPMed 0.00003; ExAC 0.00002; gnomAD 0.00002.
gnomAD v4.1: 26 of 1,609,566 alleles (0.0016%); highest among the groups gnomAD compares: Non-Finnish European, 0.0018%; no homozygotes.

Submissions (2):

GeneDx
Classification: Uncertain significance. Last evaluated: 2019-08-29. Review status: criteria provided, single submitter. Criteria: GeneDx Variant Classification Process June 2021. Collection method: clinical testing. Allele origin: germline. Affected: yes.
Comment: Not observed at a significant frequency in large population cohorts (Lek et al., 2016); In silico analysis, which includes protein predictors and evolutionary conservation, supports a deleterious effect

Breakthrough Genomics
Classification: Uncertain significance. Review status: criteria provided, single submitter. Criteria: ACMG Guidelines, 2015. Collection method: not provided. Allele origin: germline. Inheritance: Autosomal recessive inheritance. Affected: yes.